The following is an entry in ClinVar:

ClinVar aggregate classification (germline): Pathogenic (1 of 4 stars; one submission).

Submission:

GeneDx
Classification: Pathogenic. Last evaluated: 2017-08-18. Review status: criteria provided, single submitter. Criteria: GeneDx Variant Classification (06012015). Collection method: clinical testing. Allele origin: germline. Affected: yes.
Comment: The c.568dupA variant in the SATB2 gene has not been reported previously as a pathogenic variant nor as a benign variant, to our knowledge. The c.568dupA variant causes a frameshift starting with codon Threonine 190, changes this amino acid to an Asparagine residue, and creates a premature Stop codon at position 19 of the new reading frame, denoted p.Thr190AsnfsX19. This variant is predicted to cause loss of normal protein function either through protein truncation or nonsense-mediated mRNA decay. The c.568dupA variant is not observed in large population cohorts (Lek et al., 2016; 1000 Genomes Consortium et al., 2015; Exome Variant Server). Therefore, the presence of the c.568dupA pathogenic variant is consistent with the diagnosis of an SATB2-related disorder in this individual.

NM_001172509.2(SATB2):c.568dup (p.Thr190fs)

Gene: SATB2 (SATB homeobox 2; minus strand). Cytogenetic location: 2q33.1.
Variant type: Duplication.
Coding change: c.568dup on transcript NM_001172509.2 (MANE Select); coding-DNA position 568, one base duplicated (A; older notation c.568dupA).
Protein change: p.Thr190fs; shifts the reading frame from threonine 190.
Molecular consequence: frameshift variant.
Genome position (GRCh38, 1-based): chr2:199,380,393, T duplicated on the plus strand (A on the coding strand, the reverse complement: SATB2 is on the minus strand). VCF-style (leftmost placement, unchanged base first): chr2-199380392-G-GT. GRCh37 (hg19) VCF-style: chr2-200245115-G-GT.
Other names: c.568dupA (NM_015265.3); c.568dup, p.Thr190fs (NM_001172517.1, NM_015265.4); short protein forms T190fs.
Identifiers: ClinVar variation 451437 (VCV000451437.2), dbSNP rs1553496051, ClinGen allele CA658657194.